The following is an entry in ClinVar:

GRCh38/hg38 22q11.21(chr22:18188862-21182552)x1

Genes: AIFM3 (AIF family member 3; plus strand), ARVCF (ARVCF delta catenin family member; minus strand), C22orf39 (chromosome 22 open reading frame 39; minus strand), CCDC188 (coiled-coil domain containing 188; minus strand), CDC45 (cell division cycle 45; plus strand) and 189 more. Cytogenetic location: 22q11.21.
Variant type: copy number loss.
Change: copy number 1 (one copy instead of two) of chr22:18,188,862-21,182,552 (2.99 Mb, GRCh38 coordinates, 1-based), cytogenetic band 22q11.21.
Identifiers: ClinVar variation 57559 (VCV000057559.2).

ClinVar aggregate classification (germline): Pathogenic (1 of 4 stars; one submission).

Submission:

ISCA Site 6
Classification: Pathogenic. Last evaluated: 2011-08-12. Review status: criteria provided, single submitter. Criteria: Kaminsky et al. (Genet Med. 2011). Collection method: clinical testing. Allele origin: unknown. Affected: yes. Observed: 1 variant allele.
Comment: Copy number variation identified through the course of routine clinical cytogenomic testing in postnatal populations. Clinical assertions have been curated as described in Kaminsky et al. 2011.